The following is an entry in ClinVar:

NM_032322.4(RNF135):c.299A>G (p.His100Arg)

Gene: RNF135 (ring finger protein 135; plus strand). Cytogenetic location: 17q11.2.
Variant type: single nucleotide variant.
Coding change: c.299A>G on transcript NM_032322.4 (MANE Select); coding-DNA position 299, A replaced by G.
Protein change: p.His100Arg; replaces histidine 100 with arginine.
Molecular consequence: missense variant.
Genome position (GRCh38, 1-based): chr17:30,971,372, A>G. VCF-style: chr17-30971372-A-G. GRCh37 (hg19) VCF-style: chr17-29298390-A-G.
Other names: c.299A>G, p.His100Arg (NM_001184992.2, NM_197939.2); short protein forms H100R.
Identifiers: ClinVar variation 436547 (VCV000436547.47), dbSNP rs368080023, ClinGen allele CA8485149.

ClinVar aggregate classification (germline): Benign/Likely benign. Review status: criteria provided, multiple submitters, no conflicts (2 of 4 stars). 7 submissions from 7 submitters: Benign (2); Likely benign (5). Last evaluated 2026-06-01.

Allele frequency attached by ClinVar (database versions not stated): ESP Exome Variant Server 0.00135; ExAC 0.00211; TOPMed 0.00309; gnomAD exomes 0.00337 and 0.00540; gnomAD 0.00379 and 0.00394; 1000 Genomes Project 30x 0.00109; 1000 Genomes Project 0.00120.
gnomAD v4.1: 7,908 of 1,527,714 alleles (0.52%); highest among the groups gnomAD compares: Non-Finnish European, 0.6%; 30 homozygotes.

Submissions (7):

CeGaT Center for Human Genetics Tuebingen
Classification: Likely benign. Last evaluated: 2026-06-01. Review status: criteria provided, single submitter. Criteria: CeGaT Center For Human Genetics Tuebingen Variant Classification Criteria Version 2. Collection method: clinical testing. Allele origin: germline. Affected: yes. Observed: 5 variant alleles.
Comment: RNF135: BS2

Blueprint Genetics
Classification: Likely benign. Last evaluated: 2024-11-27. Review status: criteria provided, single submitter. Criteria: ACMG Guidelines, 2015. Collection method: clinical testing. Allele origin: germline.

Labcorp Genetics (formerly Invitae), Labcorp
Classification: Benign. Last evaluated: 2019-12-31. Review status: criteria provided, single submitter. Criteria: Invitae Variant Classification Sherloc (09022015). Collection method: clinical testing. Allele origin: germline.

GeneDx
Classification: Likely benign. Last evaluated: 2019-08-10. Review status: criteria provided, single submitter. Criteria: GeneDx Variant Classification Process June 2021. Collection method: clinical testing. Allele origin: germline. Affected: yes.

Genetic Services Laboratory, University of Chicago
Classification: Benign. Last evaluated: 2019-01-09. Review status: criteria provided, single submitter. Criteria: ACMG Guidelines, 2015. Collection method: clinical testing. Allele origin: germline. Affected: no.

Center for Pediatric Genomic Medicine, Children's Mercy Hospital and Clinics
Classification: Likely benign. Last evaluated: 2017-08-30. Review status: criteria provided, single submitter. Criteria: ACMG Guidelines, 2015. Collection method: clinical testing. Allele origin: germline.

Breakthrough Genomics
Classification: Likely benign. Review status: criteria provided, single submitter. Criteria: ACMG Guidelines, 2015. Collection method: not provided. Allele origin: germline. Inheritance: Unknown mechanism. Affected: yes.